The following is an entry in ClinVar:

NM_000271.5(NPC1):c.631G>A (p.Asp211Asn)

Gene: NPC1 (NPC intracellular cholesterol transporter 1; minus strand). Cytogenetic location: 18q11.2.
Variant type: single nucleotide variant.
Coding change: c.631G>A on transcript NM_000271.5 (MANE Select); coding-DNA position 631, G replaced by A.
Protein change: p.Asp211Asn; replaces aspartic acid 211 with asparagine.
Molecular consequence: missense variant.
Genome position (GRCh38, 1-based): chr18:23,561,360, C>T on the plus strand (G>A on the coding strand, the complement: NPC1 is on the minus strand). VCF-style: chr18-23561360-C-T. GRCh37 (hg19) VCF-style: chr18-21141324-C-T.
Other names: short protein forms D211N.
Identifiers: ClinVar variation 2918972 (VCV002918972.3), dbSNP rs367851289, ClinGen allele CA401782029.

ClinVar aggregate classification (germline): Uncertain significance (1 of 4 stars; one submission).

Conditions:
Niemann-Pick disease, type C1. Also called: NEUROVISCERAL STORAGE DISEASE WITH VERTICAL SUPRANUCLEAR OPHTHALMOPLEGIA; NIEMANN-PICK DISEASE WITH CHOLESTEROL ESTERIFICATION BLOCK; NIEMANN-PICK DISEASE WITHOUT SPHINGOMYELINASE DEFICIENCY; NIEMANN-PICK DISEASE, CHRONIC NEURONOPATHIC FORM; NIEMANN-PICK DISEASE, VARIANT TYPE C1. Identifiers: Orphanet 646, MedGen C3179455, MONDO:0009757, OMIM 257220.

Submission:

Labcorp Genetics (formerly Invitae), Labcorp
Classification: Uncertain significance for Niemann-Pick disease, type C1. Last evaluated: 2023-08-16. Review status: criteria provided, single submitter. Criteria: Invitae Variant Classification Sherloc (09022015). Collection method: clinical testing. Allele origin: germline.
Comment: In summary, the available evidence is currently insufficient to determine the role of this variant in disease. Therefore, it has been classified as a Variant of Uncertain Significance. Variants that disrupt the consensus splice site are a relatively common cause of aberrant splicing (PMID: 17576681, 9536098). An algorithm developed to predict the effect of missense changes on protein structure and function (PolyPhen-2) suggests that this variant is likely to be tolerated. This variant has not been reported in the literature in individuals affected with NPC1-related conditions. This variant is not present in population databases (gnomAD no frequency). This sequence change replaces aspartic acid, which is acidic and polar, with asparagine, which is neutral and polar, at codon 211 of the NPC1 protein (p.Asp211Asn). This variant also falls at the last nucleotide of exon 5, which is part of the consensus splice site for this exon.

Literature cited by the submitters: PubMed 17576681; PubMed 9536098.